The following is an entry in ClinVar:

ClinVar aggregate classification (germline): Uncertain significance. Review status: criteria provided, multiple submitters, no conflicts (2 of 4 stars). 2 submissions from 2 submitters: Uncertain significance (2). Last evaluated 2026-05-18.

Conditions:
NBAS-related disorder. Also called: NBAS-related condition.

Submissions (2):

PreventionGenetics, part of Exact Sciences
Classification: Uncertain significance for NBAS-related condition. Last evaluated: 2026-05-18. Review status: criteria provided, single submitter. Criteria: ACMG Guidelines, 2015. Collection method: clinical testing. Allele origin: germline.
Comment: The NBAS c.4244_4273del30 variant is predicted to result in an in-frame deletion (p.Met1415_Thr1424del). To our knowledge, this variant has not been reported in the literature or in population databases. At this time, the clinical significance of this variant is uncertain due to the absence of conclusive functional and genetic evidence.

Labcorp Genetics (formerly Invitae), Labcorp
Classification: Uncertain significance. Last evaluated: 2022-09-24. Review status: criteria provided, single submitter. Criteria: Invitae Variant Classification Sherloc (09022015). Collection method: clinical testing. Allele origin: germline.
Comment: This variant, c.4244_4273del, results in the deletion of 10 amino acid(s) of the NBAS protein (p.Met1415_Thr1424del), but otherwise preserves the integrity of the reading frame. This variant is present in population databases (no rsID available, gnomAD no frequency). This variant has not been reported in the literature in individuals affected with NBAS-related conditions. Experimental studies and prediction algorithms are not available or were not evaluated, and the functional significance of this variant is currently unknown. In summary, the available evidence is currently insufficient to determine the role of this variant in disease. Therefore, it has been classified as a Variant of Uncertain Significance.

NM_015909.4(NBAS):c.4244_4273del (p.Met1415_Thr1424del)

Gene: NBAS (NBAS subunit of NRZ tethering complex; minus strand). Cytogenetic location: 2p24.3.
Variant type: Deletion.
Coding change: c.4244_4273del on transcript NM_015909.4 (MANE Select); coding-DNA positions 4244 to 4273, 30 bases deleted (TGAAAGTCCTTTCCAACACCACAACCACCA).
Protein change: p.Met1415_Thr1424del.
Molecular consequence: inframe deletion. On other transcripts: non-coding transcript variant (1).
Genome position (GRCh38, 1-based): chr2:15,330,672-15,330,701, TGGTGGTTGTGGTGTTGGAAAGGACTTTCA deleted on the plus strand (TGAAAGTCCTTTCCAACACCACAACCACCA on the coding strand, the reverse complement: NBAS is on the minus strand); deleting any 30 consecutive bases within chr2:15,330,672-15,330,708 gives the same sequence; the c. name uses the placement nearest the transcript's 3' end. VCF-style (leftmost placement, unchanged base first): chr2-15330671-GTGGTGGTTGTGGTGTTGGAAAGGACTTTCA-G. GRCh37 (hg19) VCF-style: chr2-15470795-GTGGTGGTTGTGGTGTTGGAAAGGACTTTCA-G.
Other names: c.4244_4273del30 (NM_015909.3).
Identifiers: ClinVar variation 2193265 (VCV002193265.2), dbSNP rs1379059153, ClinGen allele CA531018822.